The following is an entry in ClinVar:

ClinVar aggregate classification (germline): Benign (1 of 4 stars; one submission).

Conditions:
Torsion dystonia 6 (DYT6). Also called: DYT-THAP1. Identifiers: Orphanet 98806, MedGen C1414216, MONDO:0011264, OMIM 602629.

Allele frequency attached by ClinVar (database versions not stated): gnomAD exomes 0.00092; gnomAD 0.02997 and 0.03226; 1000 Genomes Project 0.03135; 1000 Genomes Project 30x 0.03264; TOPMed 0.03439.
gnomAD v4.1: 4,537 of 154,488 alleles (2.9%); highest among the groups gnomAD compares: African/African-American, 10%; 224 homozygotes.

Submission:

Illumina Laboratory Services, Illumina
Classification: Benign for Torsion dystonia 6. Last evaluated: 2018-01-13. Review status: criteria provided, single submitter. Criteria: ICSL Variant Classification Criteria 13 December 2019. Collection method: clinical testing. Allele origin: germline.
Comment: This variant was observed in the ICSL laboratory as part of a predisposition screen in an ostensibly healthy population. It had not been previously curated by ICSL or reported in the Human Gene Mutation Database (HGMD: prior to June 1st, 2018), and was therefore a candidate for classification through an automated scoring system. Utilizing variant allele frequency, disease prevalence and penetrance estimates, and inheritance mode, an automated score was calculated to assess if this variant is too frequent to cause the disease. Based on the score and internal cut-off values, a variant classified as benign is not then subjected to further curation. The score for this variant resulted in a classification of benign for this disease.

NM_018105.3(THAP1):c.*434A>G

Gene: THAP1 (THAP domain containing 1; minus strand). Cytogenetic location: 8p11.21.
Variant type: single nucleotide variant.
Coding change: c.*434A>G on transcript NM_018105.3 (MANE Select); 434 bases downstream of the stop codon, A replaced by G.
Molecular consequence: 3 prime UTR variant.
Genome position (GRCh38, 1-based): chr8:42,837,528, T>C on the plus strand (A>G on the coding strand, the complement: THAP1 is on the minus strand). VCF-style: chr8-42837528-T-C. GRCh37 (hg19) VCF-style: chr8-42692671-T-C.
Other names: c.*718A>G (NM_199003.2).
Identifiers: ClinVar variation 363116 (VCV000363116.5), dbSNP rs73675437, ClinGen allele CA10631184.